The following is an entry in ClinVar:

ClinVar aggregate classification (germline): Uncertain significance. Review status: criteria provided, multiple submitters, no conflicts (2 of 4 stars). 5 submissions from 5 submitters: Uncertain significance (5). Last evaluated 2026-01-11.

Conditions:
Familial focal epilepsy with variable foci (FPEVF). Identifiers: Orphanet 98820, MedGen C1858477, MONDO:0020310.
Inborn genetic diseases. Identifiers: MedGen C0950123, MeSH D030342.

Allele frequency attached by ClinVar (database versions not stated): gnomAD 0.00001; gnomAD exomes 0.00001 and 0.00002; ExAC 0.00003.
gnomAD v4.1: 17 of 1,610,476 alleles (0.0011%); highest among the groups gnomAD compares: Admixed American, 0.005%; no homozygotes.

Submissions (5):

Labcorp Genetics (formerly Invitae), Labcorp
Classification: Uncertain significance for Familial focal epilepsy with variable foci. Last evaluated: 2026-01-11. Review status: criteria provided, single submitter. Criteria: Invitae Variant Classification Sherloc (09022015). Collection method: clinical testing. Allele origin: germline.
Comment: This sequence change replaces alanine, which is neutral and non-polar, with valine, which is neutral and non-polar, at codon 1208 of the DEPDC5 protein (p.Ala1208Val). This variant is present in population databases (rs772280549, gnomAD 0.006%). This variant has not been reported in the literature in individuals affected with DEPDC5-related conditions. ClinVar contains an entry for this variant (Variation ID: 852364). Experimental studies and prediction algorithms are not available or were not evaluated, and the functional significance of this variant is currently unknown. In summary, the available evidence is currently insufficient to determine the role of this variant in disease. Therefore, it has been classified as a Variant of Uncertain Significance.

Blueprint Genetics
Classification: Uncertain significance. Last evaluated: 2024-08-20. Review status: criteria provided, single submitter. Criteria: ACMG Guidelines, 2015. Collection method: clinical testing. Allele origin: germline.

Women's Health and Genetics/Laboratory Corporation of America, LabCorp
Classification: Uncertain significance. Last evaluated: 2024-01-12. Review status: criteria provided, single submitter. Criteria: LabCorp Variant Classification Summary - May 2015. Collection method: clinical testing. Allele origin: germline.
Comment: Variant summary: DEPDC5 c.3623C>T (p.Ala1208Val) results in a non-conservative amino acid change located in the DEP domain (IPR000591) of the encoded protein sequence. Three of five in-silico tools predict a damaging effect of the variant on protein function. The variant allele was found at a frequency of 2.1e-05 in 242098 control chromosomes. The available data on variant occurrences in the general population are insufficient to allow any conclusion about variant significance. To our knowledge, no occurrence of c.3623C>T in individuals affected with Epilepsy, Familial Focal, With Variable Foci 1 and no experimental evidence demonstrating its impact on protein function have been reported. ClinVar contains an entry for this variant (Variation ID: 852364, VUS). Based on the evidence outlined above, the variant was classified as uncertain significance.

GeneDx
Classification: Uncertain significance. Last evaluated: 2020-03-09. Review status: criteria provided, single submitter. Criteria: GeneDx Variant Classification Process June 2021. Collection method: clinical testing. Allele origin: germline. Affected: yes.
Comment: In silico analysis supports that this missense variant does not alter protein structure/function; Has not been previously published as pathogenic or benign to our knowledge

Ambry Genetics
Classification: Uncertain significance for Inborn genetic diseases. Last evaluated: 2018-05-09. Review status: criteria provided, single submitter. Criteria: Ambry Variant Classification Scheme 2023. Collection method: clinical testing. Allele origin: germline.
Comment: The p.A1208V variant (also known as c.3623C>T), located in coding exon 35 of the DEPDC5 gene, results from a C to T substitution at nucleotide position 3623. The alanine at codon 1208 is replaced by valine, an amino acid with similar properties. This amino acid position is highly conserved in available vertebrate species. In addition, the in silico prediction for this alteration is inconclusive. Since supporting evidence is limited at this time, the clinical significance of this alteration remains unclear.

NM_001242896.3(DEPDC5):c.3623C>T (p.Ala1208Val)

Gene: DEPDC5 (DEP domain containing 5, GATOR1 subcomplex subunit; plus strand). Cytogenetic location: 22q12.3.
Variant type: single nucleotide variant.
Coding change: c.3623C>T on transcript NM_001242896.3 (MANE Select); coding-DNA position 3623, C replaced by T.
Protein change: p.Ala1208Val; replaces alanine 1208 with valine.
Molecular consequence: missense variant. On other transcripts: non-coding transcript variant (4).
Genome position (GRCh38, 1-based): chr22:31,874,332, C>T. VCF-style: chr22-31874332-C-T. GRCh37 (hg19) VCF-style: chr22-32270318-C-T.
Other names: c.3596C>T, p.Ala1199Val (NM_001136029.4); c.3323C>T, p.Ala1108Val (NM_001242897.2); c.3557C>T, p.Ala1186Val (NM_001363852.2, NM_001364320.2); c.3389C>T, p.Ala1130Val (NM_001363854.2, NM_001364319.2); c.3623C>T, p.Ala1208Val (NM_001364318.2); c.3539C>T, p.Ala1180Val (NM_001369901.1, NM_001369902.1); c.3530C>T, p.Ala1177Val (NM_001369903.1, NM_014662.6); short protein forms A1108V, A1130V, A1177V, A1186V, A1208V, A1180V, A1199V.
Identifiers: ClinVar variation 852364 (VCV000852364.13), dbSNP rs772280549, ClinGen allele CA10197046.
Genomic context (GRCh38, chr22:31,874,332, plus strand): 5'-GGACAGGAGTCCAGCTGCTCTCTGAACAGAAGGGCCTCTCACCGTACTGCTTCATCAGCG[C>T]GGAGGTGGTACACTGGTTGGTGAACCACGTGGAGGGGATCCAGACACAGGCGATGGCCAT-3'
Protein context (NP_001229825.1, residues 1198-1218): KGLSPYCFIS[Ala1208Val]EVVHWLVNHV